The following is an entry in ClinVar:

ClinVar aggregate classification (germline): Uncertain significance (1 of 4 stars; one submission).

Conditions:
Left ventricular noncompaction 8 (LVNC8). Identifiers: Orphanet 154, Orphanet 54260, MedGen C3809288, MONDO:0014152, OMIM 615373.

Submission:

Labcorp Genetics (formerly Invitae), Labcorp
Classification: Uncertain significance for Left ventricular noncompaction 8. Last evaluated: 2022-07-21. Review status: criteria provided, single submitter. Criteria: Invitae Variant Classification Sherloc (09022015). Collection method: clinical testing. Allele origin: germline.
Comment: In summary, the available evidence is currently insufficient to determine the role of this variant in disease. Therefore, it has been classified as a Variant of Uncertain Significance. Experimental studies and prediction algorithms are not available or were not evaluated, and the functional significance of this variant is currently unknown. This variant has not been reported in the literature in individuals affected with PRDM16-related conditions. This variant is a gross deletion of the genomic region encompassing exon(s) 4 of the PRDM16 gene. This variant would be expected to be in-frame, preserving the integrity of the reading frame.

NC_000001.10:g.(?_3301696)_(3301870_?)del

Gene: PRDM16 (PR/SET domain 16; plus strand). Cytogenetic location: 1p36.32.
Variant type: Deletion.
Identifiers: ClinVar variation 2426716 (VCV002426716.4).